The following is an entry in ClinVar:

ClinVar aggregate classification (germline): Uncertain significance. Review status: criteria provided, multiple submitters, no conflicts (2 of 4 stars). 2 submissions from 2 submitters: Uncertain significance (2). Last evaluated 2025-08-23.

Conditions:
Maple syrup urine disease, mild variant (MSUDMV). Identifiers: Orphanet 511, MedGen C3554575, MONDO:0014057, OMIM 615135.

Allele frequency attached by ClinVar (database versions not stated): gnomAD 0.00001; gnomAD exomes 0.00001.

Submissions (2):

Ambry Genetics
Classification: Uncertain significance. Last evaluated: 2025-08-23. Review status: criteria provided, single submitter. Criteria: Ambry Variant Classification Scheme 2023. Collection method: clinical testing. Allele origin: germline.

Labcorp Genetics (formerly Invitae), Labcorp
Classification: Uncertain significance for Maple syrup urine disease, mild variant. Last evaluated: 2025-04-30. Review status: criteria provided, single submitter. Criteria: Invitae Variant Classification Sherloc (09022015). Collection method: clinical testing. Allele origin: germline.
Comment: This sequence change replaces valine, which is neutral and non-polar, with isoleucine, which is neutral and non-polar, at codon 244 of the PPM1K protein (p.Val244Ile). This variant is not present in population databases (gnomAD no frequency). This variant has not been reported in the literature in individuals affected with PPM1K-related conditions. ClinVar contains an entry for this variant (Variation ID: 1380419). An algorithm developed to predict the effect of missense changes on protein structure and function outputs the following: PolyPhen-2: "Benign". The isoleucine amino acid residue is found in multiple mammalian species, which suggests that this missense change does not adversely affect protein function. In summary, the available evidence is currently insufficient to determine the role of this variant in disease. Therefore, it has been classified as a Variant of Uncertain Significance.

NM_152542.5(PPM1K):c.730G>A (p.Val244Ile)

Gene: PPM1K (protein phosphatase, Mg2+/Mn2+ dependent 1K; minus strand). Cytogenetic location: 4q22.1.
Variant type: single nucleotide variant.
Coding change: c.730G>A on transcript NM_152542.5 (MANE Select); coding-DNA position 730, G replaced by A.
Protein change: p.Val244Ile; replaces valine 244 with isoleucine.
Molecular consequence: missense variant.
Genome position (GRCh38, 1-based): chr4:88,268,312, C>T on the plus strand (G>A on the coding strand, the complement: PPM1K is on the minus strand). VCF-style: chr4-88268312-C-T. GRCh37 (hg19) VCF-style: chr4-89189464-C-T.
Other names: c.730G>A (NM_152542.3); short protein forms V244I.
Identifiers: ClinVar variation 1380419 (VCV001380419.7), dbSNP rs1014204002, ClinGen allele CA101405066.